The following is an entry in ClinVar:

ClinVar aggregate classification (germline): Pathogenic (0 of 4 stars; one submission).

Conditions:
Spinocerebellar ataxia type 14 (SCA14). Identifiers: Orphanet 98763, MedGen C1854369, MONDO:0011540, OMIM 605361.

Submission:

GeneReviews
Classification: Pathogenic for Spinocerebellar Ataxia Type14. Last evaluated: 2013-04-18. Review status: no assertion criteria provided. Collection method: curation. Allele origin: unknown.
ClinVar note: Converted during submission from pathologic to Pathogenic.

NM_002739.5(PRKCG):c.367G>A (p.Gly123Arg)

Gene: PRKCG (protein kinase C gamma; plus strand). Cytogenetic location: 19q13.42.
Variant type: single nucleotide variant.
Coding change: c.367G>A on transcript NM_002739.5 (MANE Select); coding-DNA position 367, G replaced by A.
Protein change: p.Gly123Arg; replaces glycine 123 with arginine.
Molecular consequence: missense variant.
Genome position (GRCh38, 1-based): chr19:53,889,719, G>A. VCF-style: chr19-53889719-G-A. GRCh37 (hg19) VCF-style: chr19-54392973-G-A.
Other names: c.367g>a; c.367G>A, p.Gly123Arg (NM_001316329.2); short protein forms G123R.
Identifiers: ClinVar variation 42164 (VCV000042164.3), dbSNP rs386134164, ClinGen allele CA344627.